The following is an entry in ClinVar:

ClinVar aggregate classification (germline): Uncertain significance (1 of 4 stars; one submission).

Conditions:
Nemaline myopathy 2 (NEM2). Also called: Nemaline myopathy 2, autosomal recessive. Identifiers: MedGen C1850569, MONDO:0009725, OMIM 256030.

gnomAD v4.1: 1 of 1,613,816 alleles (0.000062%); highest among the groups gnomAD compares: East Asian, 0.0022%; no homozygotes.

Submission:

Labcorp Genetics (formerly Invitae), Labcorp
Classification: Uncertain significance for Nemaline myopathy 2. Last evaluated: 2022-04-22. Review status: criteria provided, single submitter. Criteria: Invitae Variant Classification Sherloc (09022015). Collection method: clinical testing. Allele origin: germline.
Comment: This sequence change replaces threonine, which is neutral and polar, with alanine, which is neutral and non-polar, at codon 1234 of the NEB protein (p.Thr1234Ala). This variant is not present in population databases (gnomAD no frequency). This variant has not been reported in the literature in individuals affected with NEB-related conditions. Algorithms developed to predict the effect of missense changes on protein structure and function are either unavailable or do not agree on the potential impact of this missense change (SIFT: "Deleterious"; PolyPhen-2: "Not Available"; Align-GVGD: "Class C0"). In summary, the available evidence is currently insufficient to determine the role of this variant in disease. Therefore, it has been classified as a Variant of Uncertain Significance.

NM_001164508.2(NEB):c.3700A>G (p.Thr1234Ala)

Gene: NEB (nebulin; minus strand). Cytogenetic location: 2q23.3.
Variant type: single nucleotide variant.
Coding change: c.3700A>G on transcript NM_001164508.2 (MANE Select); coding-DNA position 3700, A replaced by G.
Protein change: p.Thr1234Ala; replaces threonine 1234 with alanine.
Molecular consequence: missense variant.
Genome position (GRCh38, 1-based): chr2:151,677,639, T>C on the plus strand (A>G on the coding strand, the complement: NEB is on the minus strand). VCF-style: chr2-151677639-T-C. GRCh37 (hg19) VCF-style: chr2-152534153-T-C.
Other names: c.3700A>G, p.Thr1234Ala (NM_001164507.2, NM_001271208.2, NM_004543.5); short protein forms T1234A.
Identifiers: ClinVar variation 2165881 (VCV002165881.1), dbSNP rs1223566359, ClinGen allele CA348818495.